The following is an entry in ClinVar:

NM_153676.4(USH1C):c.908G>A (p.Arg303Gln)

Gene: USH1C (USH1 protein network component harmonin; minus strand). Cytogenetic location: 11p15.1.
Variant type: single nucleotide variant.
Coding change: c.908G>A on transcript NM_153676.4 (MANE Select); coding-DNA position 908, G replaced by A.
Protein change: p.Arg303Gln; replaces arginine 303 with glutamine.
Molecular consequence: missense variant. On other transcripts: non-coding transcript variant (1).
Genome position (GRCh38, 1-based): chr11:17,522,895, C>T on the plus strand (G>A on the coding strand, the complement: USH1C is on the minus strand). VCF-style: chr11-17522895-C-T. GRCh37 (hg19) VCF-style: chr11-17544442-C-T.
Other names: c.851G>A, p.Arg284Gln (NM_001297764.2); c.908G>A, p.Arg303Gln (NM_005709.4); short protein forms R303Q, R284Q.
Identifiers: ClinVar variation 48026 (VCV000048026.8), dbSNP rs397517884, ClinGen allele CA142403.

ClinVar aggregate classification (germline): Uncertain significance. Review status: criteria provided, multiple submitters, no conflicts (2 of 4 stars). 3 submissions from 3 submitters: Uncertain significance (2). 1 of the submissions does not count toward it. Last evaluated 2022-05-09.

Conditions:
Usher syndrome type 1C. Also called: USHER SYNDROME, TYPE I, ACADIAN VARIETY. Identifiers: Orphanet 231169, Orphanet 886, MedGen C1848604, MONDO:0010171, OMIM 276904.

Allele frequency attached by ClinVar (database versions not stated): gnomAD 0.00001; gnomAD exomes 0.00001 and 0.00002; TOPMed 0.00002.
gnomAD v4.1: 26 of 1,612,658 alleles (0.0016%); highest among the groups gnomAD compares: Middle Eastern, 0.017%; no homozygotes.

Submissions (3):

Labcorp Genetics (formerly Invitae), Labcorp
Classification: Uncertain significance. Last evaluated: 2022-05-09. Review status: criteria provided, single submitter. Criteria: Invitae Variant Classification Sherloc (09022015). Collection method: clinical testing. Allele origin: germline.
Comment: This sequence change replaces arginine, which is basic and polar, with glutamine, which is neutral and polar, at codon 303 of the USH1C protein (p.Arg303Gln). This variant is present in population databases (rs397517884, gnomAD 0.005%). This variant has not been reported in the literature in individuals affected with USH1C-related conditions. ClinVar contains an entry for this variant (Variation ID: 48026). Algorithms developed to predict the effect of missense changes on protein structure and function are either unavailable or do not agree on the potential impact of this missense change (SIFT: "Tolerated"; PolyPhen-2: "Possibly Damaging"; Align-GVGD: "Class C0"). In summary, the available evidence is currently insufficient to determine the role of this variant in disease. Therefore, it has been classified as a Variant of Uncertain Significance.

Laboratory for Molecular Medicine, Mass General Brigham Personalized Medicine
Classification: Uncertain significance. Last evaluated: 2010-10-26. Review status: criteria provided, single submitter. Criteria: LMM Criteria. Collection method: clinical testing. Allele origin: germline. Observed: 1 variant allele.
Comment: Variant classified as Uncertain Significance - Favor Benign. The Arg303Gln varia nt in USH1C has not been reported in the literature nor previously identified by our laboratory. The Arg303 residue is conserved across mammals though not in lo wer species and computational analyses (PolyPhen, SIFT, AlignGVGD) do not sugges t a high likelihood of impact to the protein. However, this information is not p redictive enough to rule out pathogenicity.

Natera, Inc.
Classification: Uncertain significance for Usher syndrome type 1C. Last evaluated: 2019-11-11. Review status: no assertion criteria provided. Collection method: clinical testing. Allele origin: germline. Not counted in ClinVar's aggregate classification.